The following is an entry in ClinVar:

NM_052947.4(ALPK2):c.1990A>G (p.Thr664Ala)

Gene: ALPK2 (alpha kinase 2; minus strand). Cytogenetic location: 18q21.31.
Variant type: single nucleotide variant.
Coding change: c.1990A>G on transcript NM_052947.4 (MANE Select); coding-DNA position 1990, A replaced by G.
Protein change: p.Thr664Ala; replaces threonine 664 with alanine.
Molecular consequence: missense variant.
Genome position (GRCh38, 1-based): chr18:58,538,197, T>C on the plus strand (A>G on the coding strand, the complement: ALPK2 is on the minus strand). VCF-style: chr18-58538197-T-C. GRCh37 (hg19) VCF-style: chr18-56205429-T-C.
Other names: short protein forms T664A.
Identifiers: ClinVar variation 3228601 (VCV003228601.1), dbSNP rs1196543406, ClinGen allele CA402571949.

ClinVar aggregate classification (germline): Uncertain significance (1 of 4 stars; one submission).

Allele frequency attached by ClinVar (database versions not stated): gnomAD exomes below 0.00001; TOPMed below 0.00001.
gnomAD v4.1: 2 of 1,611,708 alleles (0.00012%); highest among the groups gnomAD compares: Non-Finnish European, 0.000085%; no homozygotes.

Submission:

Ambry Genetics
Classification: Uncertain significance. Last evaluated: 2024-03-13. Review status: criteria provided, single submitter. Criteria: Ambry Variant Classification Scheme 2023. Collection method: clinical testing. Allele origin: germline.
Comment: The p.T664A variant (also known as c.1990A>G), located in coding exon 4 of the ALPK2 gene, results from an A to G substitution at nucleotide position 1990. The threonine at codon 664 is replaced by alanine, an amino acid with similar properties. This amino acid position is conserved. In addition, this alteration is predicted to be tolerated by in silico analysis. Based on the available evidence, the clinical significance of this alteration remains unclear.